The following is an entry in ClinVar:

NM_001369268.1(ACAN):c.1887C>T (p.Asp629=)

Gene: ACAN (aggrecan; plus strand). Cytogenetic location: 15q26.1.
Variant type: single nucleotide variant.
Coding change: c.1887C>T on transcript NM_001369268.1 (MANE Select); coding-DNA position 1887, C replaced by T.
Protein change: p.Asp629=; no amino-acid change (aspartic acid 629 retained).
Molecular consequence: synonymous variant.
Genome position (GRCh38, 1-based): chr15:88,849,592, C>T. VCF-style: chr15-88849592-C-T. GRCh37 (hg19) VCF-style: chr15-89392823-C-T.
Other names: c.1887C>T, p.Asp629= (NM_001135.4, NM_013227.4).
Identifiers: ClinVar variation 748610 (VCV000748610.11), dbSNP rs756126577, ClinGen allele CA7719718.

ClinVar aggregate classification (germline): Likely benign. Review status: criteria provided, multiple submitters, no conflicts (2 of 4 stars). 3 submissions from 3 submitters: Likely benign (2). 1 of the submissions does not count toward it. Last evaluated 2025-10-15.

Conditions:
ACAN-related disorder. Also called: ACAN-related disorders; ACAN-related condition.

Allele frequency attached by ClinVar (database versions not stated): gnomAD exomes 0.00010 and 0.00009; ExAC 0.00013; gnomAD 0.00005 and 0.00006; TOPMed 0.00007.
gnomAD v4.1: 156 of 1,608,066 alleles (0.0097%); highest among the groups gnomAD compares: Non-Finnish European, 0.011%; no homozygotes.

Submissions (3):

Labcorp Genetics (formerly Invitae), Labcorp
Classification: Likely benign. Last evaluated: 2025-10-15. Review status: criteria provided, single submitter. Criteria: Invitae Variant Classification Sherloc (09022015). Collection method: clinical testing. Allele origin: germline.

Blueprint Genetics
Classification: Likely benign. Last evaluated: 2024-03-04. Review status: criteria provided, single submitter. Criteria: ACMG Guidelines, 2015. Collection method: clinical testing. Allele origin: germline.

PreventionGenetics, part of Exact Sciences
Classification: Likely benign for ACAN-related condition. Last evaluated: 2019-04-04. Review status: no assertion criteria provided. Collection method: clinical testing. Allele origin: germline. Not counted in ClinVar's aggregate classification.
Comment: This variant is classified as likely benign based on ACMG/AMP sequence variant interpretation guidelines (Richards et al. 2015 PMID: 25741868, with internal and published modifications).